The following is an entry in ClinVar:

NM_001242908.2(RSPO1):c.726C>T (p.Arg242=)

Gene: RSPO1 (R-spondin 1; minus strand). Cytogenetic location: 1p34.3.
Variant type: single nucleotide variant.
Coding change: c.726C>T on transcript NM_001242908.2 (MANE Select); coding-DNA position 726, C replaced by T.
Protein change: p.Arg242=; no amino-acid change (arginine 242 retained).
Molecular consequence: synonymous variant.
Genome position (GRCh38, 1-based): chr1:37,612,821, G>A on the plus strand (C>T on the coding strand, the complement: RSPO1 is on the minus strand). VCF-style: chr1-37612821-G-A. GRCh37 (hg19) VCF-style: chr1-38078493-G-A.
Other names: c.726C>T, p.Arg242= (NM_001038633.4); c.645C>T, p.Arg215= (NM_001242909.2); c.537C>T, p.Arg179= (NM_001242910.2).
Identifiers: ClinVar variation 3604321 (VCV003604321.2).

ClinVar aggregate classification (germline): Uncertain significance (1 of 4 stars; one submission).

Submission:

Labcorp Genetics (formerly Invitae), Labcorp
Classification: Uncertain significance. Last evaluated: 2024-12-18. Review status: criteria provided, single submitter. Criteria: Invitae Variant Classification Sherloc (09022015). Collection method: clinical testing. Allele origin: germline.
Comment: This sequence change affects codon 242 of the RSPO1 mRNA. It is a 'silent' change, meaning that it does not change the encoded amino acid sequence of the RSPO1 protein. This variant is not present in population databases (gnomAD no frequency). This variant has not been reported in the literature in individuals affected with RSPO1-related conditions. Algorithms developed to predict the effect of sequence changes on RNA splicing suggest that this variant may create or strengthen a splice site. In summary, the available evidence is currently insufficient to determine the role of this variant in disease. Therefore, it has been classified as a Variant of Uncertain Significance.